The following is an entry in ClinVar:

NM_000392.5(ABCC2):c.2714G>T (p.Arg905Ile)

Genes: ABCC2 (ATP binding cassette subfamily C member 2; plus strand), LOC126861012 (BRD4-independent group 4 enhancer GRCh37_chr10:101589748-101590947; plus strand). Cytogenetic location: 10q24.2.
Variant type: single nucleotide variant.
Coding change: c.2714G>T on transcript NM_000392.5 (MANE Select); coding-DNA position 2714, G replaced by T.
Protein change: p.Arg905Ile; replaces arginine 905 with isoleucine.
Molecular consequence: missense variant.
Genome position (GRCh38, 1-based): chr10:99,830,400, G>T. VCF-style: chr10-99830400-G-T. GRCh37 (hg19) VCF-style: chr10-101590157-G-T.
Other names: short protein forms R905I.
Identifiers: ClinVar variation 3351493 (VCV003351493.1).

ClinVar aggregate classification (germline): Uncertain significance (0 of 4 stars; one submission).

Conditions:
ABCC2-related disorder. Also called: ABCC2-related condition.

gnomAD v4.1: 62 of 1,614,092 alleles (0.0038%); highest among the groups gnomAD compares: Middle Eastern, 0.099%; no homozygotes.

Submission:

PreventionGenetics, part of Exact Sciences
Classification: Uncertain significance for ABCC2-related condition. Last evaluated: 2024-03-22. Review status: no assertion criteria provided. Collection method: clinical testing. Allele origin: germline.
Comment: The ABCC2 c.2714G>T variant is predicted to result in the amino acid substitution p.Arg905Ile. To our knowledge, this variant has not been reported in the literature. This variant is reported in 0.0070% of alleles in individuals of European (Non-Finnish) descent in gnomAD. At this time, the clinical significance of this variant is uncertain due to the absence of conclusive functional and genetic evidence.